The following is an entry in ClinVar:

NM_001089.3(ABCA3):c.4331dup (p.His1445fs)

Gene: ABCA3 (ATP binding cassette subfamily A member 3; minus strand). Cytogenetic location: 16p13.3.
Variant type: Duplication.
Coding change: c.4331dup on transcript NM_001089.3 (MANE Select); coding-DNA position 4331, one base duplicated (G; older notation c.4331dupG).
Protein change: p.His1445fs; shifts the reading frame from histidine 1445.
Molecular consequence: frameshift variant.
Genome position (GRCh38, 1-based): chr16:2,281,055, C duplicated on the plus strand (G on the coding strand, the reverse complement: ABCA3 is on the minus strand); the first of 5 consecutive C bases (chr16:2,281,055-2,281,059); duplicating any one gives the same sequence. VCF-style (leftmost placement, unchanged base first): chr16-2281054-A-AC. GRCh37 (hg19) VCF-style: chr16-2331055-A-AC.
Other names: short protein forms H1445fs.
Identifiers: ClinVar variation 3062184 (VCV003062184.2), dbSNP rs2505615895, ClinGen allele CA2631183255.

ClinVar aggregate classification (germline): Pathogenic/Likely pathogenic. Review status: criteria provided, multiple submitters, no conflicts (2 of 4 stars). 2 submissions from 2 submitters: Pathogenic (1); Likely pathogenic (1). Last evaluated 2025-08-11.

Conditions:
Interstitial lung disease due to ABCA3 deficiency. Also called: PULMONARY ALVEOLAR PROTEINOSIS, CONGENITAL, 3. Identifiers: Orphanet 440402, MedGen C1970456, MONDO:0012582, OMIM 610921.

Submissions (2):

Myriad Genetics, Inc.
Classification: Pathogenic for Interstitial lung disease due to ABCA3 deficiency. Last evaluated: 2025-08-11. Review status: criteria provided, single submitter. Criteria: Myriad Autosomal Dominant, Autosomal Recessive and X-Linked Classification Criteria (2023). Collection method: clinical testing. Allele origin: unknown.
Comment: NM_001089.2(ABCA3):c.4331dupG(H1445Sfs*6) is expected to be pathogenic in the context of surfactant deficiency, ABCA3-related. This variant is predicted to lead to an abnormal or absent protein product due to the creation of a premature termination codon in ABCA3, a gene where loss-of-function variants are known to be pathogenic. Please note: this variant was assessed in the context of healthy population screening.

Department of Human Genetics, Hannover Medical School
Classification: Likely pathogenic for Interstitial lung disease due to ABCA3 deficiency. Last evaluated: 2024-03-21. Review status: criteria provided, single submitter. Criteria: ACMG Guidelines, 2015. Collection method: clinical testing. Allele origin: germline. Inheritance: Autosomal recessive inheritance. Affected: yes.